The following is an entry in ClinVar:

ClinVar aggregate classification (germline): Benign (0 of 4 stars; one submission).

Conditions:
STARD9-related disorder. Also called: STARD9-related condition.

Allele frequency attached by ClinVar (database versions not stated): 1000 Genomes Project 0.01238; 1000 Genomes Project 30x 0.01359; TOPMed 0.01501; ESP Exome Variant Server 0.01534; gnomAD 0.01694; ExAC 0.02446.
gnomAD v4.1: 35,948 of 1,536,536 alleles (2.3%); highest among the groups gnomAD compares: South Asian, 3.5%; 490 homozygotes.

Submission:

PreventionGenetics, part of Exact Sciences
Classification: Benign for STARD9-related condition. Last evaluated: 2019-05-30. Review status: no assertion criteria provided. Collection method: clinical testing. Allele origin: germline.
Comment: This variant is classified as benign based on ACMG/AMP sequence variant interpretation guidelines (Richards et al. 2015 PMID: 25741868, with internal and published modifications).

NM_020759.3(STARD9):c.729T>G (p.Ser243=)

Gene: STARD9 (StAR related lipid transfer domain containing 9; plus strand). Cytogenetic location: 15q15.2.
Variant type: single nucleotide variant.
Coding change: c.729T>G on transcript NM_020759.3 (MANE Select); coding-DNA position 729, T replaced by G.
Protein change: p.Ser243=; no amino-acid change (serine 243 retained).
Molecular consequence: synonymous variant.
Genome position (GRCh38, 1-based): chr15:42,661,184, T>G. VCF-style: chr15-42661184-T-G. GRCh37 (hg19) VCF-style: chr15-42953382-T-G.
Identifiers: ClinVar variation 3038413 (VCV003038413.2), dbSNP rs61750788, ClinGen allele CA7514027.